The following is an entry in ClinVar:

ClinVar aggregate classification (germline): Uncertain significance (1 of 4 stars; one submission).

Conditions:
Wilson disease (WND). Also called: Wilson's disease. Identifiers: Orphanet 905, MedGen C0019202, MONDO:0010200, OMIM 277900. Disease mechanism: loss of function.

Submission:

Dr. Moinak Lab, Sanjay Gandhi Postgraduate Institute of Medical Sciences
Classification: Uncertain significance for Wilson disease. Last evaluated: 2024-03-25. Review status: criteria provided, single submitter. Criteria: ACMG Guidelines, 2015. Collection method: clinical testing. Allele origin: germline. Inheritance: Autosomal recessive inheritance. Affected: yes. Observed: 1 homozygote.
Comment: ATP7B: c.1544-5T>C is a novel intronic variant involving a single nucleotide substitution from T to C at position -5 relative to the start of exon 4. While located in intron 3, this variant may potentially affect normal splicing.

Literature cited by the submitters: PubMed 20301685.

NM_000053.4(ATP7B):c.1544-5T>C

Gene: ATP7B (ATPase copper transporting beta; minus strand). Cytogenetic location: 13q14.3.
Variant type: single nucleotide variant.
Coding change: c.1544-5T>C on transcript NM_000053.4 (MANE Select); 5 bases into the intron before coding-DNA position 1544, T replaced by C.
Molecular consequence: intron variant.
Genome position (GRCh38, 1-based): chr13:51,968,612, A>G on the plus strand (T>C on the coding strand, the complement: ATP7B is on the minus strand). VCF-style: chr13-51968612-A-G. GRCh37 (hg19) VCF-style: chr13-52542748-A-G.
Other names: c.1448-5T>C (NM_001406517.1, NM_001406530.1, NM_001406518.1 and 3 more transcripts); c.1544-5T>C (NM_001406535.1, NM_001406519.1, NM_001406515.1 and 26 more transcripts); c.1115-5T>C (NM_001406539.1); c.1211-5T>C (NM_001243182.2); c.1285+5323T>C (NM_001406548.1); c.1544-38T>C (NM_001406524.1, NM_001406514.1).
Identifiers: ClinVar variation 4529473 (VCV004529473.1).